The following is an entry in ClinVar:

NM_000368.5(TSC1):c.2778G>A (p.Gln926=)

Gene: TSC1 (TSC complex subunit 1; minus strand). Cytogenetic location: 9q34.13.
Variant type: single nucleotide variant.
Coding change: c.2778G>A on transcript NM_000368.5 (MANE Select); coding-DNA position 2778, G replaced by A.
Protein change: p.Gln926=; no amino-acid change (glutamine 926 retained).
Molecular consequence: synonymous variant.
Genome position (GRCh38, 1-based): chr9:132,897,458, C>T on the plus strand (G>A on the coding strand, the complement: TSC1 is on the minus strand). VCF-style: chr9-132897458-C-T. GRCh37 (hg19) VCF-style: chr9-135772845-C-T.
Other names: c.2775G>A, p.Gln925= (NM_001162426.2); c.2625G>A, p.Gln875= (NM_001162427.2); c.2415G>A, p.Gln805= (NM_001362177.2).
Identifiers: ClinVar variation 466100 (VCV000466100.14), dbSNP rs1554813423, ClinGen allele CA467812763.

ClinVar aggregate classification (germline): Benign/Likely benign. Review status: criteria provided, multiple submitters, no conflicts (2 of 4 stars). 3 submissions from 3 submitters: Benign (1); Likely benign (2). Last evaluated 2025-04-29.

Conditions:
Hereditary cancer-predisposing syndrome. Also called: Hereditary neoplastic syndrome; Neoplastic Syndromes, Hereditary; Tumor predisposition; Hereditary Cancer Syndrome. Identifiers: Orphanet 140162, MedGen C0027672, MeSH D009386, MONDO:0015356.
Tuberous sclerosis 1 (TSC1). Identifiers: Orphanet 805, MedGen C1854465, MONDO:0008612, OMIM 191100.

gnomAD v4.1: 1 of 1,614,174 alleles (0.000062%); highest among the groups gnomAD compares: Non-Finnish European, 0.000085%; no homozygotes.

Submissions (3):

Myriad Genetics, Inc.
Classification: Benign for Tuberous sclerosis 1. Last evaluated: 2025-04-29. Review status: criteria provided, single submitter. Criteria: Myriad Autosomal Dominant, Autosomal Recessive and X-Linked Classification Criteria (2023). Collection method: clinical testing. Allele origin: unknown.
Comment: This variant is considered benign. This variant is a silent/synonymous amino acid change and it is not expected to impact splicing.

Labcorp Genetics (formerly Invitae), Labcorp
Classification: Likely benign for Tuberous sclerosis 1. Last evaluated: 2021-09-12. Review status: criteria provided, single submitter. Criteria: Invitae Variant Classification Sherloc (09022015). Collection method: clinical testing. Allele origin: germline.

Ambry Genetics
Classification: Likely benign for Hereditary cancer-predisposing syndrome. Last evaluated: 2020-11-05. Review status: criteria provided, single submitter. Criteria: Ambry Variant Classification Scheme 2023. Collection method: clinical testing. Allele origin: germline.